The following is an entry in ClinVar:

NM_000051.4(ATM):c.6725del (p.Ser2242fs)

Genes: ATM (ATM serine/threonine kinase; plus strand), C11orf65 (chromosome 11 open reading frame 65; minus strand). Cytogenetic location: 11q22.3.
Variant type: Deletion.
Coding change: c.6725del on transcript NM_000051.4 (MANE Select); coding-DNA position 6725, one base deleted (C; older notation c.6725delC).
Protein change: p.Ser2242fs; shifts the reading frame from serine 2242.
Molecular consequence: frameshift variant. On other transcripts: intron variant (2).
Genome position (GRCh38, 1-based): chr11:108,325,462, C deleted. VCF-style (leftmost placement, unchanged base first): chr11-108325461-TC-T. GRCh37 (hg19) VCF-style: chr11-108196188-TC-T.
Other names: c.6725del, p.Ser2242fs (NM_001351834.2); c.641-16391del (NM_001330368.2); c.*38+9758del (NM_001351110.2); short protein forms S2242fs.
Identifiers: ClinVar variation 230111 (VCV000230111.7), dbSNP rs876658394, ClinGen allele CA10579231.

ClinVar aggregate classification (germline): Pathogenic (1 of 4 stars; one submission).

Conditions:
Hereditary cancer-predisposing syndrome. Also called: Neoplastic Syndromes, Hereditary; Hereditary neoplastic syndrome; Tumor predisposition; Hereditary Cancer Syndrome. Identifiers: Orphanet 140162, MedGen C0027672, MeSH D009386, MONDO:0015356.

Submission:

Ambry Genetics
Classification: Pathogenic for Hereditary cancer-predisposing syndrome. Last evaluated: 2017-03-09. Review status: criteria provided, single submitter. Criteria: Ambry Variant Classification Scheme 2023. Collection method: clinical testing. Allele origin: germline.
Comment: The c.6725delC pathogenic mutation, located in coding exon 45 of the ATM gene, results from a deletion of one nucleotide at nucleotide position 6725, causing a translational frameshift with a predicted alternate stop codon (p.S2242Yfs*15). This alteration is expected to result in loss of function by premature protein truncation or nonsense-mediated mRNA decay. As such, this alteration is interpreted as a disease-causing mutation.